The following is an entry in ClinVar:

NM_005886.3(KATNB1):c.100C>T (p.Arg34Trp)

Gene: KATNB1 (katanin regulatory subunit B1; plus strand). Cytogenetic location: 16q21.
Variant type: single nucleotide variant.
Coding change: c.100C>T on transcript NM_005886.3 (MANE Select); coding-DNA position 100, C replaced by T.
Protein change: p.Arg34Trp; replaces arginine 34 with tryptophan.
Molecular consequence: missense variant.
Genome position (GRCh38, 1-based): chr16:57,741,746, C>T. VCF-style: chr16-57741746-C-T. GRCh37 (hg19) VCF-style: chr16-57775658-C-T.
Other names: short protein forms R34W.
Identifiers: ClinVar variation 2432978 (VCV002432978.5), dbSNP rs371850267, ClinGen allele CA8080615.

ClinVar aggregate classification (germline): Uncertain significance. Review status: criteria provided, multiple submitters, no conflicts (2 of 4 stars). 3 submissions from 3 submitters: Uncertain significance (3). Last evaluated 2023-11-11.

Conditions:
Lissencephaly 6 with microcephaly. Identifiers: Orphanet 1083, MedGen C4015525, MONDO:0014534, OMIM 616212.

Allele frequency attached by ClinVar (database versions not stated): TOPMed 0.00001; gnomAD exomes 0.00003; ExAC 0.00007; ESP Exome Variant Server 0.00008.
gnomAD v4.1: 44 of 1,614,132 alleles (0.0027%); highest among the groups gnomAD compares: Non-Finnish European, 0.0035%; no homozygotes.

Submissions (3):

GeneDx
Classification: Uncertain significance. Last evaluated: 2023-11-11. Review status: criteria provided, single submitter. Criteria: GeneDx Variant Classification Process June 2021. Collection method: clinical testing. Allele origin: germline. Affected: yes.
Comment: In silico analysis supports that this missense variant has a deleterious effect on protein structure/function; Not observed at significant frequency in large population cohorts (gnomAD); This variant is associated with the following publications: (PMID: 34791078)

Clinical Genetics Laboratory, Skane University Hospital Lund
Classification: Uncertain significance. Last evaluated: 2022-05-27. Review status: criteria provided, single submitter. Criteria: ACMG Guidelines, 2015. Collection method: clinical testing. Allele origin: germline. Affected: yes.

Revvity Omics, Revvity
Classification: Uncertain significance for Lissencephaly 6 with microcephaly. Last evaluated: 2020-12-20. Review status: criteria provided, single submitter. Criteria: ACMG Guidelines, 2015. Collection method: clinical testing. Allele origin: germline.